The following is an entry in ClinVar:

ClinVar aggregate classification (germline): Uncertain significance (1 of 4 stars; one submission).

Allele frequency attached by ClinVar (database versions not stated): gnomAD exomes below 0.00001; TOPMed below 0.00001; gnomAD 0.00001.
gnomAD v4.1: 4 of 1,613,698 alleles (0.00025%); highest among the groups gnomAD compares: Admixed American, 0.0033%; no homozygotes.

Submission:

Labcorp Genetics (formerly Invitae), Labcorp
Classification: Uncertain significance. Last evaluated: 2026-01-05. Review status: criteria provided, single submitter. Criteria: Invitae Variant Classification Sherloc (09022015). Collection method: clinical testing. Allele origin: germline.
Comment: This sequence change replaces proline, which is neutral and non-polar, with leucine, which is neutral and non-polar, at codon 289 of the TOE1 protein (p.Pro289Leu). This variant is present in population databases (no rsID available, gnomAD 0.003%). This variant has not been reported in the literature in individuals affected with TOE1-related conditions. ClinVar contains an entry for this variant (Variation ID: 1416977). Invitae Evidence Modeling of protein sequence and biophysical properties (such as structural, functional, and spatial information, amino acid conservation, physicochemical variation, residue mobility, and thermodynamic stability) indicates that this missense variant is not expected to disrupt TOE1 protein function with a negative predictive value of 80%. In summary, the available evidence is currently insufficient to determine the role of this variant in disease. Therefore, it has been classified as a Variant of Uncertain Significance.

NM_025077.4(TOE1):c.866C>T (p.Pro289Leu)

Gene: TOE1 (target of EGR1, exonuclease; plus strand). Cytogenetic location: 1p34.1.
Variant type: single nucleotide variant.
Coding change: c.866C>T on transcript NM_025077.4 (MANE Select); coding-DNA position 866, C replaced by T.
Protein change: p.Pro289Leu; replaces proline 289 with leucine.
Molecular consequence: missense variant.
Genome position (GRCh38, 1-based): chr1:45,342,956, C>T. VCF-style: chr1-45342956-C-T. GRCh37 (hg19) VCF-style: chr1-45808628-C-T.
Other names: short protein forms P289L.
Identifiers: ClinVar variation 1416977 (VCV001416977.6), dbSNP rs1441910329, ClinGen allele CA340140427.